The following is an entry in ClinVar:

ClinVar aggregate classification (germline): Pathogenic (1 of 4 stars; one submission).

Conditions:
Polyglandular autoimmune syndrome, type 1 (APS1). Also called: Whitaker syndrome; Autoimmune polyendocrinopathy syndrome, type I; Autoimmune polyendocrine syndrome type 1; AUTOIMMUNE POLYENDOCRINE SYNDROME, TYPE I, WITH OR WITHOUT REVERSIBLE METAPHYSEAL DYSPLASIA; APS I; HYPOADRENOCORTICISM WITH HYPOPARATHYROIDISM AND SUPERFICIAL MONILIASIS. Identifiers: Orphanet 3453, MedGen C0085859, MONDO:0009411, OMIM 240300.

Submission:

Myriad Genetics, Inc.
Classification: Pathogenic for Polyglandular autoimmune syndrome, type 1. Last evaluated: 2023-09-27. Review status: criteria provided, single submitter. Criteria: Myriad Autosomal Dominant, Autosomal Recessive and X-Linked Classification Criteria (2023). Collection method: clinical testing. Allele origin: unknown.
Comment: NM_000383.3(AIRE):c.1107dupG(L370Afs*2) is expected to be pathogenic in the context of autoimmune polyglandular syndrome type 1. This variant is predicted to lead to an abnormal or absent protein product due to the creation of a premature termination codon in AIRE, a gene where loss-of-function variants are known to be pathogenic. Please note: this variant was assessed in the context of healthy population screening.

NM_000383.4(AIRE):c.1107dup (p.Leu370fs)

Gene: AIRE (autoimmune regulator; plus strand). Cytogenetic location: 21q22.3.
Variant type: Duplication.
Coding change: c.1107dup on transcript NM_000383.4 (MANE Select); coding-DNA position 1107, one base duplicated (G; older notation c.1107dupG).
Protein change: p.Leu370fs; shifts the reading frame from leucine 370.
Molecular consequence: frameshift variant.
Genome position (GRCh38, 1-based): chr21:44,293,004, G duplicated; the last of 4 consecutive G bases (chr21:44,293,001-44,293,004); duplicating any one gives the same sequence. VCF-style (leftmost placement, unchanged base first): chr21-44293000-C-CG. GRCh37 (hg19) VCF-style: chr21-45712883-C-CG.
Other names: short protein forms L370fs.
Identifiers: ClinVar variation 5011947 (VCV005011947.1).